The following is an entry in ClinVar:

ClinVar aggregate classification (germline): Conflicting classifications of pathogenicity. Review status: criteria provided, conflicting classifications (1 of 4 stars). 3 submissions from 3 submitters: Uncertain significance (2); Likely benign (1). Last evaluated 2024-04-02.

Conditions:
Spastic ataxia 2. Also called: Ataxia, spastic, 2, autosomal recessive. Identifiers: Orphanet 397946, MedGen C1969796, MONDO:0012651, OMIM 611302.

Allele frequency attached by ClinVar (database versions not stated): gnomAD exomes 0.00001 and 0.00004; gnomAD 0.00002; TOPMed 0.00002; ExAC 0.00003.
gnomAD v4.1: 17 of 1,613,772 alleles (0.0011%); highest among the groups gnomAD compares: East Asian, 0.013%; no homozygotes.

Submissions (3):

Mayo Clinic Laboratories, Mayo Clinic
Classification: Uncertain significance. Last evaluated: 2024-04-02. Review status: criteria provided, single submitter. Criteria: ACMG Guidelines, 2015. Collection method: clinical testing. Allele origin: germline. Observed: 1 variant allele.
Comment: PP3

Labcorp Genetics (formerly Invitae), Labcorp
Classification: Likely benign for Spastic ataxia 2. Last evaluated: 2022-08-23. Review status: criteria provided, single submitter. Criteria: Invitae Variant Classification Sherloc (09022015). Collection method: clinical testing. Allele origin: germline.

Broad Center for Mendelian Genomics, Broad Institute of MIT and Harvard
Classification: Uncertain significance for Spastic ataxia 2. Last evaluated: 2018-12-03. Review status: criteria provided, single submitter. Criteria: ACMG Guidelines, 2015. Collection method: research. Allele origin: germline. Inheritance: Autosomal recessive inheritance. Affected: yes.
Comment: The p.Arg167Trp variant in KIF1C has not been previously reported in individuals with spastic ataxia but has been identified in 0.04770% (9/18868) of East Asian chromosomes, 0.004163% (1/24022) of African chromosomes, and 0.002906% (1/34416) of Latino chromosomes by the Genome Aggregation Database (gnomAD; dbSNP rs185479618). Although this variant has been seen in the general population, its frequency is low enough to be consistent with a recessive carrier frequency. Computational prediction tools and conservation analyses suggest that this variant may impact the protein, though this information is not predictive enough to determine pathogenicity. In summary, the clinical significance of the p.Arg167Trp variant is uncertain. ACMG/AMP Criteria applied: PM2, PP3 (Richards 2015).

NM_006612.6(KIF1C):c.499C>T (p.Arg167Trp)

Gene: KIF1C (kinesin family member 1C; plus strand). Cytogenetic location: 17p13.2.
Variant type: single nucleotide variant.
Coding change: c.499C>T on transcript NM_006612.6 (MANE Select); coding-DNA position 499, C replaced by T.
Protein change: p.Arg167Trp; replaces arginine 167 with tryptophan.
Molecular consequence: missense variant.
Genome position (GRCh38, 1-based): chr17:5,002,533, C>T. VCF-style: chr17-5002533-C-T. GRCh37 (hg19) VCF-style: chr17-4905828-C-T.
Other names: short protein forms R167W.
Identifiers: ClinVar variation 468858 (VCV000468858.11), dbSNP rs185479618, ClinGen allele CA8318586.
Genomic context (GRCh38, chr17:5,002,533, plus strand): 5'-ATGGAGATCTACTGTGAGCGGGTACGAGACCTCTTGAACCCCAAGAGTCGGGGTTCTCTG[C>T]GGGTCCGGGAGCACCCCATCCTGGGCCCGTACGTGCAGGACCTGTCCAAATTGGCTGTGA-3'
Protein context (NP_006603.2, residues 157-177): LLNPKSRGSL[Arg167Trp]VREHPILGPY